The following is an entry in ClinVar:

NM_182914.3(SYNE2):c.19497T>C (p.Val6499=)

Gene: SYNE2 (spectrin repeat containing nuclear envelope protein 2; plus strand). Cytogenetic location: 14q23.2.
Variant type: single nucleotide variant.
Coding change: c.19497T>C on transcript NM_182914.3 (MANE Select); coding-DNA position 19497, T replaced by C.
Protein change: p.Val6499=; no amino-acid change (valine 6499 retained).
Molecular consequence: synonymous variant.
Genome position (GRCh38, 1-based): chr14:64,216,342, T>C. VCF-style: chr14-64216342-T-C. GRCh37 (hg19) VCF-style: chr14-64683060-T-C.
Other names: c.19428T>C, p.Val6476= (NM_015180.6); c.21T>C, p.Val7= (NM_182910.2); c.399T>C, p.Val133= (NM_182913.4).
Identifiers: ClinVar variation 1098140 (VCV001098140.32), dbSNP rs1176808345, ClinGen allele CA486715641.

ClinVar aggregate classification (germline): Likely benign. Review status: criteria provided, multiple submitters, no conflicts (2 of 4 stars). 2 submissions from 2 submitters: Likely benign (2). Last evaluated 2022-09-01.

Conditions:
Emery-Dreifuss muscular dystrophy 5, autosomal dominant (EDMD5). Also called: EMERY-DREIFUSS MUSCULAR DYSTROPHY 5. Identifiers: Orphanet 261, MedGen C2751805, MONDO:0013072, OMIM 612999.

Allele frequency attached by ClinVar (database versions not stated): gnomAD 0.00001; TOPMed 0.00001.
gnomAD v4.1: 2 of 1,614,126 alleles (0.00012%); highest among the groups gnomAD compares: Non-Finnish European, 0.000085%; no homozygotes.

Submissions (2):

CeGaT Center for Human Genetics Tuebingen
Classification: Likely benign. Last evaluated: 2022-09-01. Review status: criteria provided, single submitter. Criteria: CeGaT Center For Human Genetics Tuebingen Variant Classification Criteria Version 2. Collection method: clinical testing. Allele origin: germline. Affected: yes. Observed: 1 variant allele.
Comment: SYNE2: BP4, BP7

Labcorp Genetics (formerly Invitae), Labcorp
Classification: Likely benign for Emery-Dreifuss muscular dystrophy 5, autosomal dominant. Last evaluated: 2022-02-04. Review status: criteria provided, single submitter. Criteria: Invitae Variant Classification Sherloc (09022015). Collection method: clinical testing. Allele origin: germline.